The following is an entry in ClinVar:

NM_001453.3(FOXC1):c.1334G>A (p.Ser445Asn)

Gene: FOXC1 (forkhead box C1; plus strand). Cytogenetic location: 6p25.3.
Variant type: single nucleotide variant.
Coding change: c.1334G>A on transcript NM_001453.3 (MANE Select); coding-DNA position 1334, G replaced by A.
Protein change: p.Ser445Asn; replaces serine 445 with asparagine.
Molecular consequence: missense variant.
Genome position (GRCh38, 1-based): chr6:1,611,779, G>A. VCF-style: chr6-1611779-G-A. GRCh37 (hg19) VCF-style: chr6-1612014-G-A.
Other names: short protein forms S445N.
Identifiers: ClinVar variation 2231499 (VCV002231499.3), dbSNP rs2480506700, ClinGen allele CA362560700.

ClinVar aggregate classification (germline): Conflicting classifications of pathogenicity. Review status: criteria provided, conflicting classifications (1 of 4 stars). 2 submissions from 2 submitters: Uncertain significance (1); Likely benign (1). Last evaluated 2026-02-09.

Conditions:
Inborn genetic diseases. Identifiers: MedGen C0950123, MeSH D030342.
Anterior segment dysgenesis 3 (ASGD3). Also called: IRIDOGONIODYSGENESIS ANOMALY, AUTOSOMAL DOMINANT; Glaucoma iridogoniodysplasia, familial. Identifiers: Orphanet 91483, MedGen C5975707, MONDO:0024456, OMIM 601631.

Submissions (2):

Centre for Medical Genetics,  Mumbai
Classification: Likely benign for Anterior segment dysgenesis 3. Last evaluated: 2026-02-09. Review status: criteria provided, single submitter. Criteria: ACMG Guidelines, 2015. Collection method: provider interpretation. Allele origin: germline. Inheritance: Autosomal dominant inheritance. Affected: no. Observed: 1 heterozygote.
Comment: The variant satisfies PM2 criteria; Extremely low frequency in gnomAD population databases. The variant satisfies PP2 criteria; Missense variant in a gene with low rate of benign missense mutations and for which missense mutation is a common mechanism of a disease. The variant satisfies BP4 criteria; For a missense or a splice region variant, computational prediction tools unanimously support a benign effect on the gene. However, the variant satisfies BS2 criteria: present in heterozygous state in an individual that clinically does not have Anterior segment dysgenesis.

Ambry Genetics
Classification: Uncertain significance for Inborn genetic diseases. Last evaluated: 2021-12-03. Review status: criteria provided, single submitter. Criteria: Ambry Variant Classification Scheme 2023. Collection method: clinical testing. Allele origin: germline.

Literature cited by the submitters: PubMed 9792859 (cited by Centre for Medical Genetics,  Mumbai).